The following is an entry in ClinVar:

NM_000214.3(JAG1):c.1442G>A (p.Gly481Asp)

Gene: JAG1 (jagged canonical Notch ligand 1; minus strand). Cytogenetic location: 20p12.2.
Variant type: single nucleotide variant.
Coding change: c.1442G>A on transcript NM_000214.3 (MANE Select); coding-DNA position 1442, G replaced by A.
Protein change: p.Gly481Asp; replaces glycine 481 with aspartic acid.
Molecular consequence: missense variant.
Genome position (GRCh38, 1-based): chr20:10,648,676, C>T on the plus strand (G>A on the coding strand, the complement: JAG1 is on the minus strand). VCF-style: chr20-10648676-C-T. GRCh37 (hg19) VCF-style: chr20-10629324-C-T.
Other names: short protein forms G481D.
Identifiers: ClinVar variation 958684 (VCV000958684.9), dbSNP rs753841056, ClinGen allele CA9764842.
Genomic context (GRCh38, chr20:10,648,676, plus strand): 5'-TGACCCCCATTCAAACAGGGGTTGCTGGCACATTCATCGATGTCTCTCTCACAGTGATCG[C>T]CTGCATAGCCAGGTGGACAGATACAGCGATAACCATTAACCAAATCCTAGAAGAGGAGAA-3'
Protein context (NP_000205.1, residues 471-491): YRCICPPGYA[Gly481Asp]DHCERDIDEC

ClinVar aggregate classification (germline): Uncertain significance (1 of 4 stars; one submission).

Conditions:
Alagille syndrome due to a JAG1 point mutation. Also called: Alagille Syndrome 1; HEPATIC DUCTULAR HYPOPLASIA, SYNDROMATIC; JAG1-Related Alagille Syndrome. Identifiers: Orphanet 261619, Orphanet 52, MedGen C1956125, MONDO:0016862, OMIM 118450.

Allele frequency attached by ClinVar (database versions not stated): gnomAD exomes below 0.00001 and 0.00001; ExAC 0.00001.
gnomAD v4.1: 2 of 1,614,166 alleles (0.00012%); highest among the groups gnomAD compares: East Asian, 0.0045%; no homozygotes.

Submission:

Labcorp Genetics (formerly Invitae), Labcorp
Classification: Uncertain significance for Alagille syndrome due to a JAG1 point mutation. Last evaluated: 2022-10-25. Review status: criteria provided, single submitter. Criteria: Invitae Variant Classification Sherloc (09022015). Collection method: clinical testing. Allele origin: germline.
Comment: In summary, the available evidence is currently insufficient to determine the role of this variant in disease. Therefore, it has been classified as a Variant of Uncertain Significance. Algorithms developed to predict the effect of sequence changes on RNA splicing suggest that this variant may disrupt the consensus splice site. Advanced modeling of protein sequence and biophysical properties (such as structural, functional, and spatial information, amino acid conservation, physicochemical variation, residue mobility, and thermodynamic stability) performed at Invitae indicates that this missense variant is expected to disrupt JAG1 protein function. ClinVar contains an entry for this variant (Variation ID: 958684). This variant has not been reported in the literature in individuals affected with JAG1-related conditions. This variant is present in population databases (rs753841056, gnomAD 0.01%). This sequence change replaces glycine, which is neutral and non-polar, with aspartic acid, which is acidic and polar, at codon 481 of the JAG1 protein (p.Gly481Asp).